The following is an entry in ClinVar:

NM_000310.4(PPT1):c.64C>T (p.Arg22Trp)

Gene: PPT1 (palmitoyl-protein thioesterase 1; minus strand). Cytogenetic location: 1p34.2.
Variant type: single nucleotide variant.
Coding change: c.64C>T on transcript NM_000310.4 (MANE Select); coding-DNA position 64, C replaced by T.
Protein change: p.Arg22Trp; replaces arginine 22 with tryptophan.
Molecular consequence: missense variant.
Genome position (GRCh38, 1-based): chr1:40,097,175, G>A on the plus strand (C>T on the coding strand, the complement: PPT1 is on the minus strand). VCF-style: chr1-40097175-G-A. GRCh37 (hg19) VCF-style: chr1-40562847-G-A.
Other names: c.64C>T, p.Arg22Trp (NM_001142604.2, NM_001363695.2); short protein forms R22W.
Identifiers: ClinVar variation 1399742 (VCV001399742.6), dbSNP rs1189526127, ClinGen allele CA339850764.
Genomic context (GRCh38, chr1:40,097,175, plus strand): 5'-CCATCCCATGCCAGATCACCAACGGCAGCGGCGCCGGCGGGTCCAGATGCTGCAGCGCCC[G>A]AGAAGCGCAGGTCCATGGCAGGAGAGCCACAGCCAAGAGCCACAGGCAGCCGGGCGACGC-3'
Protein context (NP_000301.1, residues 12-32): VALLPWTCAS[Arg22Trp]ALQHLDPPAP

ClinVar aggregate classification (germline): Uncertain significance (1 of 4 stars; one submission).

Conditions:
Neuronal ceroid lipofuscinosis 1 (CLN1). Also called: CEROID LIPOFUSCINOSIS, NEURONAL, 1, VARIABLE AGE AT ONSET; PPT1-Related Neuronal Ceroid-Lipofuscinosis. Identifiers: Orphanet 228329, MedGen C1850451, MONDO:0009744, OMIM 256730.

Allele frequency attached by ClinVar (database versions not stated): TOPMed below 0.00001.

Submission:

Labcorp Genetics (formerly Invitae), Labcorp
Classification: Uncertain significance for Neuronal ceroid lipofuscinosis 1. Last evaluated: 2021-06-19. Review status: criteria provided, single submitter. Criteria: Invitae Variant Classification Sherloc (09022015). Collection method: clinical testing. Allele origin: germline.
Comment: This variant has not been reported in the literature in individuals with PPT1-related conditions. In summary, the available evidence is currently insufficient to determine the role of this variant in disease. Therefore, it has been classified as a Variant of Uncertain Significance. Advanced modeling of protein sequence and biophysical properties (such as structural, functional, and spatial information, amino acid conservation, physicochemical variation, residue mobility, and thermodynamic stability) performed at Invitae indicates that this missense variant is not expected to disrupt PPT1 protein function. This variant is not present in population databases (ExAC no frequency). This sequence change replaces arginine with tryptophan at codon 22 of the PPT1 protein (p.Arg22Trp). The arginine residue is weakly conserved and there is a moderate physicochemical difference between arginine and tryptophan.